The following is an entry in ClinVar:

ClinVar aggregate classification (germline): Uncertain significance (1 of 4 stars; one submission).

Submission:

Labcorp Genetics (formerly Invitae), Labcorp
Classification: Uncertain significance. Last evaluated: 2022-02-08. Review status: criteria provided, single submitter. Criteria: Invitae Variant Classification Sherloc (09022015). Collection method: clinical testing. Allele origin: germline.
Comment: In summary, the available evidence is currently insufficient to determine the role of this variant in disease. Therefore, it has been classified as a Variant of Uncertain Significance. Algorithms developed to predict the effect of missense changes on protein structure and function are either unavailable or do not agree on the potential impact of this missense change (SIFT: "Deleterious"; PolyPhen-2: "Possibly Damaging"; Align-GVGD: "Class C0"). This variant has not been reported in the literature in individuals affected with LYN-related conditions. This variant is not present in population databases (gnomAD no frequency). This sequence change replaces alanine, which is neutral and non-polar, with valine, which is neutral and non-polar, at codon 273 of the LYN protein (p.Ala273Val).

NM_002350.4(LYN):c.818C>T (p.Ala273Val)

Gene: LYN (LYN proto-oncogene, Src family tyrosine kinase; plus strand). Cytogenetic location: 8q12.1.
Variant type: single nucleotide variant.
Coding change: c.818C>T on transcript NM_002350.4 (MANE Select); coding-DNA position 818, C replaced by T.
Protein change: p.Ala273Val; replaces alanine 273 with valine.
Molecular consequence: missense variant.
Genome position (GRCh38, 1-based): chr8:55,966,742, C>T. VCF-style: chr8-55966742-C-T. GRCh37 (hg19) VCF-style: chr8-56879301-C-T.
Other names: c.755C>T, p.Ala252Val (NM_001111097.3); short protein forms A252V, A273V.
Identifiers: ClinVar variation 2094712 (VCV002094712.4), dbSNP rs2487551341, ClinGen allele CA371284843.